The following is an entry in ClinVar:

NM_002432.3(MNDA):c.170A>G (p.Gln57Arg)

Gene: MNDA (myeloid cell nuclear differentiation antigen; plus strand). Cytogenetic location: 1q23.1.
Variant type: single nucleotide variant.
Coding change: c.170A>G on transcript NM_002432.3 (MANE Select); coding-DNA position 170, A replaced by G.
Protein change: p.Gln57Arg; replaces glutamine 57 with arginine.
Molecular consequence: missense variant.
Genome position (GRCh38, 1-based): chr1:158,842,323, A>G. VCF-style: chr1-158842323-A-G. GRCh37 (hg19) VCF-style: chr1-158812113-A-G.
Other names: short protein forms Q57R.
Identifiers: ClinVar variation 3295422 (VCV003295422.1).

ClinVar aggregate classification (germline): Uncertain significance (1 of 4 stars; one submission).

Submission:

Ambry Genetics
Classification: Uncertain significance. Last evaluated: 2024-03-17. Review status: criteria provided, single submitter. Criteria: Ambry Variant Classification Scheme 2023. Collection method: clinical testing. Allele origin: germline.
Comment: The p.Q57R variant (also known as c.170A>G), located in coding exon 1 of the MNDA gene, results from an A to G substitution at nucleotide position 170. The glutamine at codon 57 is replaced by arginine, an amino acid with highly similar properties. This amino acid position is conserved. In addition, this alteration is predicted to be tolerated by in silico analysis. Based on the available evidence, the clinical significance of this alteration remains unclear.